The following is an entry in ClinVar:

NM_006939.4(SOS2):c.547T>G (p.Leu183Val)

Gene: SOS2 (SOS Ras/Rho guanine nucleotide exchange factor 2; minus strand). Cytogenetic location: 14q21.3.
Variant type: single nucleotide variant.
Coding change: c.547T>G on transcript NM_006939.4 (MANE Select); coding-DNA position 547, T replaced by G.
Protein change: p.Leu183Val; replaces leucine 183 with valine.
Molecular consequence: missense variant.
Genome position (GRCh38, 1-based): chr14:50,188,664, A>C on the plus strand (T>G on the coding strand, the complement: SOS2 is on the minus strand). VCF-style: chr14-50188664-A-C. GRCh37 (hg19) VCF-style: chr14-50655382-A-C.
Other names: c.547T>G, p.Leu183Val (NM_001411020.1); short protein forms L183V.
Identifiers: ClinVar variation 5030025 (VCV005030025.1).

ClinVar aggregate classification (germline): Uncertain significance (1 of 4 stars; one submission).

Conditions:
Cardiovascular phenotype. Identifiers: MedGen CN230736.

Submission:

Ambry Genetics
Classification: Uncertain significance for Cardiovascular phenotype. Last evaluated: 2026-06-18. Review status: criteria provided, single submitter. Criteria: Ambry Variant Classification Scheme 2023. Collection method: clinical testing. Allele origin: germline.
Comment: The p.L183V variant (also known as c.547T>G), located in coding exon 5 of the SOS2 gene, results from a T to G substitution at nucleotide position 547. The leucine at codon 183 is replaced by valine, an amino acid with highly similar properties. This amino acid position is conserved. In addition, the in silico prediction for this alteration is inconclusive. Based on the available evidence, the clinical significance of this variant remains unclear.